The following is an entry in ClinVar:

NM_019098.5(CNGB3):c.212-2527_338+2854del

Gene: CNGB3 (cyclic nucleotide gated channel subunit beta 3; minus strand). Cytogenetic location: 8q21.3.
Variant type: Deletion.
Coding change: c.212-2527_338+2854del on transcript NM_019098.5 (MANE Select); 2527 bases into the intron before coding-DNA position 212 through 2854 bases into the intron after coding-DNA position 338, 5,508 bases deleted.
Molecular consequence: splice acceptor variant, splice donor variant.
Genome position (GRCh38, 1-based): chr8:86,723,677-86,729,184, 5,508 bases deleted. GRCh37 (hg19): chr8:87,735,908-87,741,415.
Identifiers: ClinVar variation 427713 (VCV000427713.1), ClinGen allele CA645372469.

ClinVar aggregate classification (germline): Pathogenic (0 of 4 stars; one submission).

Conditions:
Achromatopsia 3 (ACHM3). Also called: PINGELAPESE BLINDNESS; TOTAL COLORBLINDNESS WITH MYOPIA; ROD MONOCHROMACY 1; ROD MONOCHROMATISM 1; ACHROMATOPSIA WITH MYOPIA. Identifiers: Orphanet 49382, MedGen C1849792, MONDO:0009875, OMIM 262300.

Submission:

Molecular Genetics Laboratory, Institute for Ophthalmic Research
Classification: Pathogenic for ACHM3. Last evaluated: 2017-03-27. Review status: no assertion criteria provided. Collection method: research. Allele origin: germline. Affected: yes.
Comment: Deletion of exon 3

Literature cited by the submitters: PubMed 28795510.